The following is an entry in ClinVar:

ClinVar aggregate classification (germline): Uncertain significance (1 of 4 stars; one submission).

Allele frequency attached by ClinVar (database versions not stated): gnomAD exomes 0.00001; gnomAD 0.00001.

Submission:

Labcorp Genetics (formerly Invitae), Labcorp
Classification: Uncertain significance. Last evaluated: 2022-06-06. Review status: criteria provided, single submitter. Criteria: Invitae Variant Classification Sherloc (09022015). Collection method: clinical testing. Allele origin: germline.
Comment: This sequence change replaces alanine, which is neutral and non-polar, with threonine, which is neutral and polar, at codon 24 of the SLC2A9 protein (p.Ala24Thr). This variant is present in population databases (rs756028086, gnomAD 0.003%). This variant has not been reported in the literature in individuals affected with SLC2A9-related conditions. Algorithms developed to predict the effect of missense changes on protein structure and function (SIFT, PolyPhen-2, Align-GVGD) all suggest that this variant is likely to be tolerated. In summary, the available evidence is currently insufficient to determine the role of this variant in disease. Therefore, it has been classified as a Variant of Uncertain Significance.

NM_020041.3(SLC2A9):c.70G>A (p.Ala24Thr)

Genes: SLC2A9 (solute carrier family 2 member 9; minus strand), SLC2A9-AS3 (SLC2A9 antisense RNA 3; plus strand). Cytogenetic location: 4p16.1.
Variant type: single nucleotide variant.
Coding change: c.70G>A on transcript NM_020041.3 (MANE Select); coding-DNA position 70, G replaced by A.
Protein change: p.Ala24Thr; replaces alanine 24 with threonine.
Molecular consequence: missense variant. On other transcripts: intron variant (1).
Genome position (GRCh38, 1-based): chr4:10,021,360, C>T on the plus strand (G>A on the coding strand, the complement: SLC2A9 is on the minus strand). VCF-style: chr4-10021360-C-T. GRCh37 (hg19) VCF-style: chr4-10022984-C-T.
Other names: c.64-2287G>A (NM_001001290.2); short protein forms A24T.
Identifiers: ClinVar variation 2079218 (VCV002079218.4), dbSNP rs756028086, ClinGen allele CA2857356.